The following is an entry in ClinVar:

ClinVar aggregate classification (germline): Likely benign. Review status: reviewed by expert panel (3 of 4 stars). 5 submissions from 5 submitters: Likely benign (1). 4 of the submissions do not count toward it. Last evaluated 2026-01-12.

Conditions:
Open-angle glaucoma. Identifiers: MedGen C0017612, MONDO:0005338, HP:0012108.
MYOC-related disorder. Also called: MYOC-related condition; MYOC-related disorders. Identifiers: MedGen CN239330.
Glaucoma 1, open angle, A (GLC1A). Also called: Glaucoma, Dominant (Juvenile Onset). Identifiers: Orphanet 98977, MedGen C1842028, MONDO:0007664, OMIM 137750.

Allele frequency attached by ClinVar (database versions not stated): 1000 Genomes Project 30x 0.00016; ExAC 0.00016; gnomAD exomes 0.00019; 1000 Genomes Project 0.00020; TOPMed 0.00025; ESP Exome Variant Server 0.00031; gnomAD 0.00033 and 0.00035.
gnomAD v4.1: 594 of 1,614,210 alleles (0.037%); highest among the groups gnomAD compares: Non-Finnish European, 0.047%; no homozygotes.

Submissions (5):

ClinGen Glaucoma Variant Curation Expert Panel
Classification: Likely benign for Open-angle glaucoma. Last evaluated: 2026-01-12. Review status: reviewed by expert panel. Criteria: ClinGen Glaucoma ACMG Specifications V2.0.0 Approved. Collection method: curation. Allele origin: germline. Inheritance: Autosomal dominant inheritance.
Comment: The c.1334C>T variant in MYOC is a missense variant predicted to cause substitution of Alanine by Valine at amino acid 445 (p.Ala445Val). The highest minor allele frequency of this variant was in the non-Finnish European genetic ancestry group of gnomAD (v4.1.0) = 0.0004737 (559 alleles out of 1,180,044), which did not meet the PM2_Supporting allele frequency threshold (≤ 0.0001) or the BS1 allele frequency threshold (≥ 0.001). The REVEL score = 0.472, which was neither above nor below the thresholds for PP3 (≥ 0.644) or BP4 (≤ 0.290), predicting a damaging or benign impact on MYOC function. The Ala445Val protein had similar solubility, stability and secretion levels compared to wild type myocilin protein in these studies (PMIDs: 16466712, 21612213, 25524706, 35196929, 36267417, 36579626). The assays met the OddsPath threshold for BS3_Moderate (< 0.23), indicating that this variant did not impact protein function. This protein has also been assessed for solubility and secretion in this other study PMID: 36579626), however, the same level of evidence was not met. Although probands with primary open angle glaucoma have been reported carrying this variant, PM2_Supporting was not met, therefore PS4 did not apply. In summary, this variant met the criteria to receive a score of -2 and to be classified as likely benign (likely benign classification range -2 to -6, adapted from PMID: 32720330) for primary open angle glaucoma based on the ACMG/AMP criteria met, as specified by the ClinGen Glaucoma VCEP (v2.0.0, 5 Dec 2024): BS3_Moderate.

Labcorp Genetics (formerly Invitae), Labcorp
Classification: Uncertain significance. Last evaluated: 2024-06-03. Review status: criteria provided, single submitter. Criteria: Invitae Variant Classification Sherloc (09022015). Collection method: clinical testing. Allele origin: germline. Not counted in ClinVar's aggregate classification.
Comment: This sequence change replaces alanine, which is neutral and non-polar, with valine, which is neutral and non-polar, at codon 445 of the MYOC protein (p.Ala445Val). This variant is present in population databases (rs140967767, gnomAD 0.03%), and has an allele count higher than expected for a pathogenic variant. This missense change has been observed in individual(s) with glaucoma (PMID: 9535666, 11774072, 12189160, 33725475). ClinVar contains an entry for this variant (Variation ID: 631578). An algorithm developed to predict the effect of missense changes on protein structure and function (PolyPhen-2) suggests that this variant is likely to be tolerated. Experimental studies are conflicting or provide insufficient evidence to determine the effect of this variant on MYOC function (PMID: 16466712, 21612213, 30483726, 35196929). In summary, the available evidence is currently insufficient to determine the role of this variant in disease. Therefore, it has been classified as a Variant of Uncertain Significance.

Department of Pathology and Laboratory Medicine, Sinai Health System
Classification: Uncertain significance for Glaucoma 1, open angle, A. Last evaluated: 2022-11-25. Review status: criteria provided, single submitter. Criteria: ACMG Guidelines, 2015. Collection method: research. Allele origin: germline. Not counted in ClinVar's aggregate classification.

CeGaT Center for Human Genetics Tuebingen
Classification: Likely benign. Last evaluated: 2021-12-01. Review status: criteria provided, single submitter. Criteria: CeGaT Center For Human Genetics Tuebingen Variant Classification Criteria Version 2. Collection method: clinical testing. Allele origin: germline. Affected: yes. Observed: 1 variant allele. Not counted in ClinVar's aggregate classification.

Illumina Laboratory Services, Illumina
Classification: Likely pathogenic for MYOC-Related Disorders. Last evaluated: 2018-09-19. Review status: criteria provided, single submitter. Criteria: ICSL Variant Classification Criteria 09 May 2019. Collection method: clinical testing. Allele origin: germline. Not counted in ClinVar's aggregate classification.
Comment: The MYOC c.1334C>T (p.Ala445Val) missense variant has been reported in five studies in which it is found in a heterozygous state in a total of six probands including three probands with primary open angle glaucoma, two probands with glaucoma, and one proband with ocular hypertension (Alward et al. 1998; Vincent et al. 2002; Faucher et al. 2002; Weisschuh et al. 2005; Lopez-Martinez et al. 2007). At least two of these probands had a family history of glaucoma (Faucher et al. 2002; Vincent et al. 2002). The p.Ala445Val variant was absent from 723 controls but is reported at a frequency of 0.00035 in the European American population of the Exome Sequencing Project. Functionally, the p.Ala445Val protein exhibited a similar effect as wild type in thermal stability analyses, but demonstrated increased in vitro aggregation relative to the wild type protein, as evaluated through size exclusion chromatography (Burns et al. 2011). The authors indicate that the data regarding the mechanism for the variant's effect were inconclusive but were suggestive of a pathogenic effect. Based on the collective evidence, the p.Ala445Val variant is classified as likely pathogenic for MYOC-related disorders. This variant was observed by ICSL as part of a predisposition screen in an ostensibly healthy population.

Literature cited by the submitters: PubMed 36267417 (cited by ClinGen Glaucoma Variant Curation Expert Panel); PubMed 21612213 (cited by 3 submitters); PubMed 36579626 (cited by ClinGen Glaucoma Variant Curation Expert Panel); PubMed 16466712 (cited by ClinGen Glaucoma Variant Curation Expert Panel and Labcorp Genetics (formerly Invitae), Labcorp); PubMed 25524706 (cited by ClinGen Glaucoma Variant Curation Expert Panel); PubMed 35196929 (cited by ClinGen Glaucoma Variant Curation Expert Panel and Labcorp Genetics (formerly Invitae), Labcorp); PubMed 9535666 (cited by Labcorp Genetics (formerly Invitae), Labcorp and Illumina Laboratory Services, Illumina); PubMed 11774072 (cited by Labcorp Genetics (formerly Invitae), Labcorp and Illumina Laboratory Services, Illumina); PubMed 12189160 (cited by Labcorp Genetics (formerly Invitae), Labcorp and Illumina Laboratory Services, Illumina); PubMed 33725475 (cited by Labcorp Genetics (formerly Invitae), Labcorp); PubMed 30483726 (cited by Labcorp Genetics (formerly Invitae), Labcorp); PubMed 17615537 (cited by Illumina Laboratory Services, Illumina); PubMed 15851979 (cited by Illumina Laboratory Services, Illumina).

NM_000261.2(MYOC):c.1334C>T (p.Ala445Val)

Gene: MYOC (myocilin; minus strand). Cytogenetic location: 1q24.3.
Variant type: single nucleotide variant.
Coding change: c.1334C>T on transcript NM_000261.2 (MANE Select); coding-DNA position 1334, C replaced by T.
Protein change: p.Ala445Val; replaces alanine 445 with valine.
Molecular consequence: missense variant.
Genome position (GRCh38, 1-based): chr1:171,636,106, G>A on the plus strand (C>T on the coding strand, the complement: MYOC is on the minus strand). VCF-style: chr1-171636106-G-A. GRCh37 (hg19) VCF-style: chr1-171605246-G-A.
Other names: NM_000261.2(MYOC):c.1334C>T; p.Ala445Val; short protein forms A445V.
Identifiers: ClinVar variation 631578 (VCV000631578.46), dbSNP rs140967767, ClinGen allele CA1244040.